The following is an entry in ClinVar:

ClinVar aggregate classification (germline): Uncertain significance. Review status: criteria provided, multiple submitters, no conflicts (2 of 4 stars). 2 submissions from 2 submitters: Uncertain significance (2). Last evaluated 2025-08-27.

Conditions:
Inborn genetic diseases. Identifiers: MedGen C0950123, MeSH D030342.

Allele frequency attached by ClinVar (database versions not stated): gnomAD exomes below 0.00001; TOPMed below 0.00001; gnomAD 0.00001.

Submissions (2):

Ambry Genetics
Classification: Uncertain significance for Inborn genetic diseases. Last evaluated: 2025-08-27. Review status: criteria provided, single submitter. Criteria: Ambry Variant Classification Scheme 2023. Collection method: clinical testing. Allele origin: germline.

Labcorp Genetics (formerly Invitae), Labcorp
Classification: Uncertain significance. Last evaluated: 2024-04-06. Review status: criteria provided, single submitter. Criteria: Invitae Variant Classification Sherloc (09022015). Collection method: clinical testing. Allele origin: germline.
Comment: This sequence change replaces glycine, which is neutral and non-polar, with alanine, which is neutral and non-polar, at codon 306 of the MDH2 protein (p.Gly306Ala). This variant is not present in population databases (gnomAD no frequency). This variant has not been reported in the literature in individuals affected with MDH2-related conditions. ClinVar contains an entry for this variant (Variation ID: 1766080). An algorithm developed to predict the effect of missense changes on protein structure and function (PolyPhen-2) suggests that this variant is likely to be disruptive. In summary, the available evidence is currently insufficient to determine the role of this variant in disease. Therefore, it has been classified as a Variant of Uncertain Significance.

NM_005918.4(MDH2):c.917G>C (p.Gly306Ala)

Gene: MDH2 (malate dehydrogenase 2; plus strand). Cytogenetic location: 7q11.23.
Variant type: single nucleotide variant.
Coding change: c.917G>C on transcript NM_005918.4 (MANE Select); coding-DNA position 917, G replaced by C.
Protein change: p.Gly306Ala; replaces glycine 306 with alanine.
Molecular consequence: missense variant.
Genome position (GRCh38, 1-based): chr7:76,066,310, G>C. VCF-style: chr7-76066310-G-C. GRCh37 (hg19) VCF-style: chr7-75695628-G-C.
Other names: c.791G>C, p.Gly264Ala (NM_001282403.2); c.596G>C, p.Gly199Ala (NM_001282404.2); short protein forms G306A, G199A, G264A.
Identifiers: ClinVar variation 1766080 (VCV001766080.8), dbSNP rs1798095161, ClinGen allele CA367769751.